The following is an entry in ClinVar:

ClinVar aggregate classification (germline): Uncertain significance (1 of 4 stars; one submission).

Conditions:
Duchenne muscular dystrophy (DMD). Also called: Duchenne Muscular Dystrophy (DMD); MUSCULAR DYSTROPHY, PSEUDOHYPERTROPHIC PROGRESSIVE, DUCHENNE TYPE. Identifiers: Orphanet 98896, MedGen C0013264, MONDO:0010679, OMIM 310200.

gnomAD v4.1: 4 of 1,209,590 alleles (0.00033%); highest among the groups gnomAD compares: East Asian, 0.012%; no homozygotes.

Submission:

3billion
Classification: Uncertain significance for Duchenne muscular dystrophy. Last evaluated: 2023-11-20. Review status: criteria provided, single submitter. Criteria: ACMG Guidelines, 2015. Collection method: clinical testing. Allele origin: germline. Affected: yes.
Comment: The variant is not observed in the gnomAD v2.1.1 dataset. Predicted Consequence/Location: Intron variant In silico tools predict the variant to alter splicing and produce an abnormal transcript [SpliceAI: 0.34 (>=0.2, moderate evidence for spliceogenicity)]. Therefore, this variant is classified as VUS according to the recommendation of ACMG/AMP guideline.

NM_004006.3(DMD):c.8669-16C>T

Gene: DMD (dystrophin; minus strand). Cytogenetic location: Xp21.2.
Variant type: single nucleotide variant.
Coding change: c.8669-16C>T on transcript NM_004006.3 (MANE Select); 16 bases into the intron before coding-DNA position 8669, C replaced by T.
Molecular consequence: intron variant.
Genome position (GRCh38, 1-based): chrX:31,478,390, G>A on the plus strand (C>T on the coding strand, the complement: DMD is on the minus strand). VCF-style: chrX-31478390-G-A. GRCh37 (hg19) VCF-style: chrX-31496507-G-A.
Other names: c.8645-16C>T (NM_000109.4); c.4646-16C>T (NM_004011.4); c.4637-16C>T (NM_004012.4); c.1289-16C>T (NM_004023.3, NM_004020.4, NM_004022.3 and 2 more transcripts); c.482-16C>T (NM_004014.3); c.8657-16C>T (NM_004009.3); c.8300-16C>T (NM_004010.3).
Identifiers: ClinVar variation 3776001 (VCV003776001.1).
Genomic context (GRCh38, chrX:31,478,390, plus strand): 5'-GTAGAAGCCGAGTGACATTCTGGGCTCTCTCCTCAGGAGGCAGCTCTAAATTGGCAATAT[G>A]ACAAGGTTTTAGGCCACATTCTTTTTTTTTAAACATTGTCAAAAAGGTCATACTGGAAGA-3'